The following is an entry in ClinVar:

ClinVar aggregate classification (germline): Uncertain significance. Review status: criteria provided, multiple submitters, no conflicts (2 of 4 stars). 4 submissions from 4 submitters: Uncertain significance (4). Last evaluated 2026-03-19.

Conditions:
PRX-related disorder. Also called: PRX-related condition; PRX-Related Disorders.
Inborn genetic diseases. Identifiers: MedGen C0950123, MeSH D030342.
Charcot-Marie-Tooth disease type 4. Also called: Charcot-Marie-Tooth disease, type IV; Charcot-Marie-Tooth, Type 4. Identifiers: Orphanet 64749, MedGen C4082197, MONDO:0018995.

Allele frequency attached by ClinVar (database versions not stated): gnomAD exomes below 0.00001 and 0.00002; gnomAD 0.00003 and 0.00006; ExAC 0.00004; ESP Exome Variant Server 0.00008.
gnomAD v4.1: 37 of 1,613,874 alleles (0.0023%); highest among the groups gnomAD compares: Admixed American, 0.0033%; no homozygotes.

Submissions (4):

PreventionGenetics, part of Exact Sciences
Classification: Uncertain significance for PRX-related condition. Last evaluated: 2026-03-19. Review status: criteria provided, single submitter. Criteria: ACMG Guidelines, 2015. Collection method: clinical testing. Allele origin: germline.
Comment: The PRX c.1479G>C variant is predicted to result in the amino acid substitution p.Glu493Asp. To our knowledge, this variant has not been reported in the literature. This variant is reported in 0.0016% of alleles in individuals of European (non-Finnish) descent in gnomAD. At this time, the clinical significance of this variant is uncertain due to the absence of conclusive functional and genetic evidence.

Ambry Genetics
Classification: Uncertain significance for Inborn genetic diseases. Last evaluated: 2025-05-04. Review status: criteria provided, single submitter. Criteria: Ambry Variant Classification Scheme 2023. Collection method: clinical testing. Allele origin: germline.

Labcorp Genetics (formerly Invitae), Labcorp
Classification: Uncertain significance for Charcot-Marie-Tooth disease type 4. Last evaluated: 2025-03-03. Review status: criteria provided, single submitter. Criteria: Invitae Variant Classification Sherloc (09022015). Collection method: clinical testing. Allele origin: germline.
Comment: This sequence change replaces glutamic acid, which is acidic and polar, with aspartic acid, which is acidic and polar, at codon 493 of the PRX protein (p.Glu493Asp). This variant is present in population databases (rs367946424, gnomAD 0.002%). This variant has not been reported in the literature in individuals affected with PRX-related conditions. ClinVar contains an entry for this variant (Variation ID: 966405). An algorithm developed to predict the effect of missense changes on protein structure and function outputs the following: PolyPhen-2: "Benign". The aspartic acid amino acid residue is found in multiple mammalian species, which suggests that this missense change does not adversely affect protein function. In summary, the available evidence is currently insufficient to determine the role of this variant in disease. Therefore, it has been classified as a Variant of Uncertain Significance.

Mayo Clinic Laboratories, Mayo Clinic
Classification: Uncertain significance. Last evaluated: 2020-03-02. Review status: criteria provided, single submitter. Criteria: ACMG Guidelines, 2015. Collection method: clinical testing. Allele origin: germline. Observed: 1 variant allele.

NM_181882.3(PRX):c.1479G>C (p.Glu493Asp)

Gene: PRX (periaxin; minus strand). Cytogenetic location: 19q13.2.
Variant type: single nucleotide variant.
Coding change: c.1479G>C on transcript NM_181882.3 (MANE Select); coding-DNA position 1479, G replaced by C.
Protein change: p.Glu493Asp; replaces glutamic acid 493 with aspartic acid.
Molecular consequence: missense variant. On other transcripts: 3 prime UTR variant (1).
Genome position (GRCh38, 1-based): chr19:40,396,873, C>G on the plus strand (G>C on the coding strand, the complement: PRX is on the minus strand). VCF-style: chr19-40396873-C-G. GRCh37 (hg19) VCF-style: chr19-40902780-C-G.
Other names: c.*1684G>C (NM_020956.2); short protein forms E493D.
Identifiers: ClinVar variation 966405 (VCV000966405.14), dbSNP rs367946424, ClinGen allele CA9444252.